The following is an entry in ClinVar:

ClinVar aggregate classification (germline): Likely benign. Review status: criteria provided, multiple submitters, no conflicts (2 of 4 stars). 2 submissions from 2 submitters: Likely benign (2). Last evaluated 2025-07-27.

Conditions:
Methylmalonic acidemia with homocystinuria, type cblX (MAHCX). Also called: INTELLECTUAL DEVELOPMENTAL DISORDER, X-LINKED 3. Identifiers: Orphanet 369962, MedGen C0796208, MONDO:0010657, OMIM 309541.

Allele frequency attached by ClinVar (database versions not stated): gnomAD exomes below 0.00001 and 0.00002; TOPMed 0.00002.
gnomAD v4.1: 3 of 1,201,960 alleles (0.00025%); highest among the groups gnomAD compares: Admixed American, 0.0065%; no homozygotes.

Submissions (2):

Labcorp Genetics (formerly Invitae), Labcorp
Classification: Likely benign for Methylmalonic acidemia with homocystinuria, type cblX. Last evaluated: 2025-07-27. Review status: criteria provided, single submitter. Criteria: Invitae Variant Classification Sherloc (09022015). Collection method: clinical testing. Allele origin: germline.

GeneDx
Classification: Likely benign. Last evaluated: 2017-06-23. Review status: criteria provided, single submitter. Criteria: GeneDx Variant Classification (06012015). Collection method: clinical testing. Allele origin: germline. Affected: yes.
Comment: This variant is considered likely benign or benign based on one or more of the following criteria: it is a conservative change, it occurs at a poorly conserved position in the protein, it is predicted to be benign by multiple in silico algorithms, and/or has population frequency not consistent with disease.

NM_005334.3(HCFC1):c.2856+15G>A

Gene: HCFC1 (host cell factor C1; minus strand). Cytogenetic location: Xq28.
Variant type: single nucleotide variant.
Coding change: c.2856+15G>A on transcript NM_005334.3 (MANE Select); 15 bases into the intron after coding-DNA position 2856, G replaced by A.
Molecular consequence: intron variant.
Genome position (GRCh38, 1-based): chrX:153,956,176, C>T on the plus strand (G>A on the coding strand, the complement: HCFC1 is on the minus strand). VCF-style: chrX-153956176-C-T. GRCh37 (hg19) VCF-style: chrX-153221627-C-T.
Identifiers: ClinVar variation 518000 (VCV000518000.4), dbSNP rs1286532435, ClinGen allele CA519263388.